The following is an entry in ClinVar:

ClinVar aggregate classification (germline): Conflicting classifications of pathogenicity. Review status: criteria provided, conflicting classifications (1 of 4 stars). 5 submissions from 5 submitters: Likely pathogenic (2); Uncertain significance (2). 1 of the submissions does not count toward it. Last evaluated 2025-07-02.

Conditions:
Mucopolysaccharidosis, MPS-III-A (MPS3A). Also called: HEPARAN SULFATE SULFATASE DEFICIENCY; MUCOPOLYSACCHARIDOSIS, TYPE IIIA, ATTENUATED; Mucopolysaccharidosis, type IIIA; SANFILIPPO SYNDROME A; SULFAMIDASE DEFICIENCY; Mucopolysaccharidosis type IIIA (Sanfilippo A). Identifiers: Orphanet 581, Orphanet 79269, MedGen C0086647, MONDO:0009655, OMIM 252900.

Allele frequency attached by ClinVar (database versions not stated): gnomAD exomes below 0.00001.
gnomAD v4.1: 3 of 1,602,530 alleles (0.00019%); highest among the groups gnomAD compares: Non-Finnish European, 0.00026%; no homozygotes.

Submissions (5):

Women's Health and Genetics/Laboratory Corporation of America, LabCorp
Classification: Uncertain significance. Last evaluated: 2025-07-02. Review status: criteria provided, single submitter. Criteria: LabCorp Variant Classification Summary - May 2015. Collection method: clinical testing. Allele origin: germline.
Comment: Variant summary: SGSH c.171C>G (p.Ser57Arg) results in a non-conservative amino acid change located in the Sulfatase, N-terminal (IPR000917) of the encoded protein sequence. Algorithms developed to predict the effect of missense changes on protein structure and function all suggest that this variant is likely to be disruptive. The variant allele was found at a frequency of 4.4e-06 in 228908 control chromosomes. The available data on variant occurrences in the general population are insufficient to allow any conclusion about variant significance. c.171C>G has been observed in individual(s) with clinical features of Mucopolysaccharidosis, MPS-III-A (internal_testing). These report(s) do not provide unequivocal conclusions about association of the variant with Mucopolysaccharidosis, MPS-III-A. To our knowledge, no experimental evidence demonstrating an impact on protein function has been reported. ClinVar contains an entry for this variant (Variation ID: 429525). Based on the evidence outlined above, the variant was classified as uncertain significance.

Labcorp Genetics (formerly Invitae), Labcorp
Classification: Likely pathogenic for Mucopolysaccharidosis, MPS-III-A. Last evaluated: 2024-05-21. Review status: criteria provided, single submitter. Criteria: Invitae Variant Classification Sherloc (09022015). Collection method: clinical testing. Allele origin: germline.
Comment: This sequence change replaces serine, which is neutral and polar, with arginine, which is basic and polar, at codon 57 of the SGSH protein (p.Ser57Arg). This variant is present in population databases (no rsID available, gnomAD 0.006%). This missense change has been observed in individual(s) with clinical features of SGSH-related conditions (Invitae). In at least one individual the data is consistent with being in trans (on the opposite chromosome) from a pathogenic variant. ClinVar contains an entry for this variant (Variation ID: 429525). Advanced modeling of protein sequence and biophysical properties (such as structural, functional, and spatial information, amino acid conservation, physicochemical variation, residue mobility, and thermodynamic stability) performed at Invitae indicates that this missense variant is expected to disrupt SGSH protein function with a positive predictive value of 95%. In summary, the currently available evidence indicates that the variant is pathogenic, but additional data are needed to prove that conclusively. Therefore, this variant has been classified as Likely Pathogenic.

Genome-Nilou Lab
Classification: Uncertain significance for Mucopolysaccharidosis, MPS-III-A. Last evaluated: 2021-11-07. Review status: criteria provided, single submitter. Criteria: ACMG Guidelines, 2015. Collection method: clinical testing. Allele origin: germline. Affected: no.

GeneDx
Classification: Likely pathogenic. Last evaluated: 2018-09-17. Review status: criteria provided, single submitter. Criteria: GeneDx Variant Classification (06012015). Collection method: clinical testing. Allele origin: germline. Affected: yes.
Comment: The S57R variant has not been published as a pathogenic variant, nor has it been reported as a benign variant to our knowledge. The S57R variant is a semi-conservative amino acid substitution, which may impact secondary protein structure as these residues differ in some properties. This substitution occurs at a position that is conserved in mammals. In silico analysis is inconsistent in its predictions as to whether or not the variant is damaging to the protein structure/function. Therefore, we predict S57R to be a likely pathogenic variant.

Counsyl
Classification: Uncertain significance for Mucopolysaccharidosis, MPS-III-A. Last evaluated: 2018-02-08. Review status: no assertion criteria provided. Collection method: clinical testing. Allele origin: unknown. Not counted in ClinVar's aggregate classification.

NM_000199.5(SGSH):c.171C>G (p.Ser57Arg)

Gene: SGSH (N-sulfoglucosamine sulfohydrolase; minus strand). Cytogenetic location: 17q25.3.
Variant type: single nucleotide variant.
Coding change: c.171C>G on transcript NM_000199.5 (MANE Select); coding-DNA position 171, C replaced by G.
Protein change: p.Ser57Arg; replaces serine 57 with arginine.
Molecular consequence: missense variant. On other transcripts: non-coding transcript variant (1).
Genome position (GRCh38, 1-based): chr17:80,217,110, G>C on the plus strand (C>G on the coding strand, the complement: SGSH is on the minus strand). VCF-style: chr17-80217110-G-C. GRCh37 (hg19) VCF-style: chr17-78190909-G-C.
Other names: c.171C>G, p.Ser57Arg (NM_001352921.3, NM_001352922.2); short protein forms S57R.
Identifiers: ClinVar variation 429525 (VCV000429525.13), dbSNP rs1131691434, ClinGen allele CA401364359.